The following is an entry in ClinVar:

NM_001943.5(DSG2):c.2215A>C (p.Ile739Leu)

Genes: DSG2 (desmoglein 2; plus strand), DSG2-AS1 (DSG2 antisense RNA 1; minus strand). Cytogenetic location: 18q12.1.
Variant type: single nucleotide variant.
Coding change: c.2215A>C on transcript NM_001943.5 (MANE Select); coding-DNA position 2215, A replaced by C.
Protein change: p.Ile739Leu; replaces isoleucine 739 with leucine.
Molecular consequence: missense variant.
Genome position (GRCh38, 1-based): chr18:31,542,733, A>C. VCF-style: chr18-31542733-A-C. GRCh37 (hg19) VCF-style: chr18-29122696-A-C.
Other names: short protein forms I739L.
Identifiers: ClinVar variation 926748 (VCV000926748.10), dbSNP rs772240008, ClinGen allele CA402142577.

ClinVar aggregate classification (germline): Uncertain significance. Review status: criteria provided, multiple submitters, no conflicts (2 of 4 stars). 4 submissions from 4 submitters: Uncertain significance (4). Last evaluated 2025-07-28.

Conditions:
Cardiomyopathy (CMYO). Also called: Cardiomyopathies. Identifiers: Orphanet 167848, MedGen C0878544, MONDO:0004994, HP:0001638. Inheritance: Various modes of inheritance.
Arrhythmogenic right ventricular cardiomyopathy (ARVD). Also called: Arrhythmogenic cardiomyopathy; Cardiomyopathy, ARVC; Arrhythmogenic right ventricular dysplasia; Arrhythmogenic Right Ventricular Cardiomyopathy (ARVC). Identifiers: Orphanet 247, MedGen C0349788, MeSH D019571, MONDO:0016587. Disease mechanism: loss of function. Inheritance: Various modes of inheritance.
Arrhythmogenic right ventricular dysplasia 10. Also called: Arrhythmogenic Right Ventricular Dysplasia/Cardiomyopathy10; ARRHYTHMOGENIC RIGHT VENTRICULAR DYSPLASIA, FAMILIAL, 10; Arrhythmogenic right ventricular dysplasia/cardiomyopathy, type 10. Identifiers: MedGen C1857777, MONDO:0012434, OMIM 610193.

gnomAD v4.1: 8 of 1,614,186 alleles (0.0005%); highest among the groups gnomAD compares: Non-Finnish European, 0.00068%; no homozygotes.

Submissions (4):

Labcorp Genetics (formerly Invitae), Labcorp
Classification: Uncertain significance for Arrhythmogenic right ventricular dysplasia 10. Last evaluated: 2025-07-28. Review status: criteria provided, single submitter. Criteria: Invitae Variant Classification Sherloc (09022015). Collection method: clinical testing. Allele origin: germline.
Comment: This sequence change replaces isoleucine, which is neutral and non-polar, with leucine, which is neutral and non-polar, at codon 739 of the DSG2 protein (p.Ile739Leu). This variant is not present in population databases (gnomAD no frequency). This variant has not been reported in the literature in individuals affected with DSG2-related conditions. ClinVar contains an entry for this variant (Variation ID: 926748). Invitae Evidence Modeling of protein sequence and biophysical properties (such as structural, functional, and spatial information, amino acid conservation, physicochemical variation, residue mobility, and thermodynamic stability) indicates that this missense variant is not expected to disrupt DSG2 protein function with a negative predictive value of 95%. In summary, the available evidence is currently insufficient to determine the role of this variant in disease. Therefore, it has been classified as a Variant of Uncertain Significance.

All of Us Research Program, National Institutes of Health
Classification: Uncertain significance for Arrhythmogenic right ventricular cardiomyopathy. Last evaluated: 2024-08-06. Review status: criteria provided, single submitter. Criteria: ACMG Guidelines, 2015. Collection method: clinical testing. Allele origin: germline. Inheritance: Autosomal dominant inheritance. Observed: 1 variant allele, 1 heterozygote.
Comment: This missense variant replaces isoleucine with leucine at codon 739 of the DSG2 protein. Computational prediction tools and conservation analyses suggest that this variant may not impact the protein function. Computational splicing tools suggest that this variant may not impact RNA splicing. To our knowledge, functional assays have not been performed for this variant nor has this variant been reported in individuals affected with cardiovascular disorders in the literature. This variant has not been identified in the general population by the Genome Aggregation Database (gnomAD). Available evidence is insufficient to determine the role of this variant in disease conclusively. Therefore, this variant is classified as a Variant of Uncertain Significance.

This study involves interpretation of variants in research participants for the purpose of population health screening. Participant phenotype was not available at the time of variant classification. Additional details can be found in publication PMID: 35346344, PMCID: PMC8962531

Color Diagnostics, LLC DBA Color Health
Classification: Uncertain significance for Cardiomyopathy. Last evaluated: 2024-03-06. Review status: criteria provided, single submitter. Criteria: ACMG Guidelines, 2015. Collection method: clinical testing. Allele origin: germline.
Comment: This missense variant replaces isoleucine with leucine at codon 739 of the DSG2 protein. Computational prediction suggests that this variant may not impact protein structure and function (internally defined REVEL score threshold <= 0.5, PMID: 27666373). To our knowledge, functional studies have not been reported for this variant. This variant has not been reported in individuals affected with cardiovascular disorders in the literature. This variant has not been identified in the general population by the Genome Aggregation Database (gnomAD). The available evidence is insufficient to determine the role of this variant in disease conclusively. Therefore, this variant is classified as a Variant of Uncertain Significance.

Women's Health and Genetics/Laboratory Corporation of America, LabCorp
Classification: Uncertain significance. Last evaluated: 2022-07-30. Review status: criteria provided, single submitter. Criteria: LabCorp Variant Classification Summary - May 2015. Collection method: clinical testing. Allele origin: germline.